The following is an entry in ClinVar:

ClinVar aggregate classification (germline): Uncertain significance. Review status: criteria provided, multiple submitters, no conflicts (2 of 4 stars). 4 submissions from 4 submitters: Uncertain significance (4). Last evaluated 2025-01-19.

Conditions:
Hereditary cancer-predisposing syndrome. Also called: Tumor predisposition; Neoplastic Syndromes, Hereditary; Hereditary Cancer Syndrome; Hereditary neoplastic syndrome. Identifiers: Orphanet 140162, MedGen C0027672, MeSH D009386, MONDO:0015356.
Carney-Stratakis syndrome. Also called: PARAGANGLIOMA AND GASTROINTESTINAL STROMAL TUMOR. Identifiers: Orphanet 97286, MedGen C1847319, MONDO:0011740, OMIM 606864.
Paragangliomas with sensorineural hearing loss. Identifiers: MedGen C1868633.
Pheochromocytoma. Also called: MAX-Related Hereditary Paraganglioma-Pheochromocytoma Syndrome. Identifiers: Orphanet 29072, MedGen C0031511, MONDO:0008233, OMIM 171300, HP:0002666.
Cowden syndrome 3 (CWS3). Identifiers: Orphanet 201, MedGen CN166604, MONDO:0014045.
Hereditary pheochromocytoma and paraganglioma. Also called: Hereditary paragangliomas and pheochromocytomas; Hereditary pheochromocytoma-paraganglioma; Hereditary Paraganglioma-Pheochromocytoma Syndromes. Identifiers: Orphanet 29072, MedGen C4274332, MONDO:0017366.

Allele frequency attached by ClinVar (database versions not stated): gnomAD exomes below 0.00001; ExAC 0.00001.

Submissions (4):

Labcorp Genetics (formerly Invitae), Labcorp
Classification: Uncertain significance for Carney-Stratakis syndrome; Paragangliomas with sensorineural hearing loss; Pheochromocytoma; Cowden syndrome 3. Last evaluated: 2025-01-19. Review status: criteria provided, single submitter. Criteria: Invitae Variant Classification Sherloc (09022015). Collection method: clinical testing. Allele origin: germline.
Comment: This sequence change replaces glutamine, which is neutral and polar, with proline, which is neutral and non-polar, at codon 36 of the SDHD protein (p.Gln36Pro). This variant is present in population databases (rs759143732, gnomAD 0.0009%). This variant has not been reported in the literature in individuals affected with SDHD-related conditions. ClinVar contains an entry for this variant (Variation ID: 1057555). Invitae Evidence Modeling of protein sequence and biophysical properties (such as structural, functional, and spatial information, amino acid conservation, physicochemical variation, residue mobility, and thermodynamic stability) indicates that this missense variant is not expected to disrupt SDHD protein function with a negative predictive value of 95%. In summary, the available evidence is currently insufficient to determine the role of this variant in disease. Therefore, it has been classified as a Variant of Uncertain Significance.

Ambry Genetics
Classification: Uncertain significance for Hereditary cancer-predisposing syndrome. Last evaluated: 2024-04-15. Review status: criteria provided, single submitter. Criteria: Ambry Variant Classification Scheme 2023. Collection method: clinical testing. Allele origin: germline.
Comment: The p.Q36P variant (also known as c.107A>C), located in coding exon 2 of the SDHD gene, results from an A to C substitution at nucleotide position 107. The glutamine at codon 36 is replaced by proline, an amino acid with similar properties. This amino acid position is conserved. In addition, this alteration is predicted to be deleterious by in silico analysis. Since supporting evidence is limited at this time, the clinical significance of this alteration remains unclear.

GeneDx
Classification: Uncertain significance. Last evaluated: 2023-12-14. Review status: criteria provided, single submitter. Criteria: GeneDx Variant Classification Process June 2021. Collection method: clinical testing. Allele origin: germline. Affected: yes.
Comment: Not observed at significant frequency in large population cohorts (gnomAD); In silico analysis supports that this missense variant has a deleterious effect on protein structure/function; Has not been previously published as pathogenic or benign to our knowledge

All of Us Research Program, National Institutes of Health
Classification: Uncertain significance for Hereditary pheochromocytoma and paraganglioma. Last evaluated: 2023-05-04. Review status: criteria provided, single submitter. Criteria: ACMG Guidelines, 2015. Collection method: clinical testing. Allele origin: germline. Inheritance: Autosomal dominant inheritance. Observed: 1 variant allele, 1 heterozygote.
Comment: This missense variant replaces glutamine with proline at codon 36 of the SDHD protein. Computational prediction is inconclusive regarding the impact of this variant on protein structure and function (internally defined REVEL score threshold 0.5 < inconclusive < 0.7, PMID: 27666373). To our knowledge, functional studies have not been reported for this variant. This variant has not been reported in individuals affected with SDHD-related disorders in the literature. This variant has been identified in 1/251482 chromosomes in the general population by the Genome Aggregation Database (gnomAD). The available evidence is insufficient to determine the role of this variant in disease conclusively. Therefore, this variant is classified as a Variant of Uncertain Significance.

This study involves interpretation of variants in research participants for the purpose of population health screening. Participant phenotype was not available at the time of variant classification. Additional details can be found in publication PMID: 35346344, PMCID: PMC8962531

NM_003002.4(SDHD):c.107A>C (p.Gln36Pro)

Gene: SDHD (succinate dehydrogenase complex subunit D; plus strand). Cytogenetic location: 11q23.1.
Variant type: single nucleotide variant.
Coding change: c.107A>C on transcript NM_003002.4 (MANE Select); coding-DNA position 107, A replaced by C.
Protein change: p.Gln36Pro; replaces glutamine 36 with proline.
Molecular consequence: missense variant. On other transcripts: non-coding transcript variant (1), intron variant (1).
Genome position (GRCh38, 1-based): chr11:112,087,911, A>C. VCF-style: chr11-112087911-A-C. GRCh37 (hg19) VCF-style: chr11-111958635-A-C.
Other names: c.107A>C, p.Gln36Pro (NM_001276503.2, NM_001276506.2); c.52+952A>C (NM_001276504.2); short protein forms Q36P.
Identifiers: ClinVar variation 1057555 (VCV001057555.12), dbSNP rs759143732, ClinGen allele CA070587.